The following is an entry in ClinVar:

NM_000264.5(PTCH1):c.2876C>G (p.Thr959Arg)

Gene: PTCH1 (patched 1; minus strand). Cytogenetic location: 9q22.32.
Variant type: single nucleotide variant.
Coding change: c.2876C>G on transcript NM_000264.5 (MANE Select); coding-DNA position 2876, C replaced by G.
Protein change: p.Thr959Arg; replaces threonine 959 with arginine.
Molecular consequence: missense variant. On other transcripts: non-coding transcript variant (1).
Genome position (GRCh38, 1-based): chr9:95,459,611, G>C on the plus strand (C>G on the coding strand, the complement: PTCH1 is on the minus strand). VCF-style: chr9-95459611-G-C. GRCh37 (hg19) VCF-style: chr9-98221893-G-C.
Other names: c.2678C>G, p.Thr893Arg (NM_001083602.3); c.2873C>G, p.Thr958Arg (NM_001083603.3); c.2423C>G, p.Thr808Arg (NM_001083604.3, NM_001083605.3, NM_001083606.3 and 1 more transcripts); c.2720C>G, p.Thr907Arg (NM_001354918.2); short protein forms T808R, T893R, T907R, T958R, T959R.
Identifiers: ClinVar variation 3230993 (VCV003230993.1), dbSNP rs776378611, ClinGen allele CA374112887.

ClinVar aggregate classification (germline): Uncertain significance (1 of 4 stars; one submission).

Conditions:
Hereditary cancer-predisposing syndrome. Also called: Neoplastic Syndromes, Hereditary; Tumor predisposition; Hereditary neoplastic syndrome; Hereditary Cancer Syndrome. Identifiers: Orphanet 140162, MedGen C0027672, MeSH D009386, MONDO:0015356.

Submission:

Ambry Genetics
Classification: Uncertain significance for Hereditary cancer-predisposing syndrome. Last evaluated: 2023-11-14. Review status: criteria provided, single submitter. Criteria: Ambry Variant Classification Scheme 2023. Collection method: clinical testing. Allele origin: germline.
Comment: The p.T959R variant (also known as c.2876C>G), located in coding exon 17 of the PTCH1 gene, results from a C to G substitution at nucleotide position 2876. The threonine at codon 959 is replaced by arginine, an amino acid with similar properties. This amino acid position is conserved. In addition, this alteration is predicted to be deleterious by in silico analysis. Since supporting evidence is limited at this time, the clinical significance of this alteration remains unclear.